The following is an entry in ClinVar:

ClinVar aggregate classification (germline): Uncertain significance (1 of 4 stars; one submission).

Conditions:
Hengel-Maroofian-Schols syndrome. Also called: NEURODEVELOPMENTAL DISORDER WITH SPASTICITY, FACIAL DYSMORPHISM, AND BRAIN ABNORMALITIES; Global developmental delay-intellectual disability-microcephaly-short stature-brain iron accumulation syndrome. Identifiers: Orphanet 697067, MedGen C5562032, MONDO:0859208, OMIM 619641.

Submission:

3billion
Classification: Uncertain significance for Hengel-Maroofian-Schols syndrome. Last evaluated: 2026-01-13. Review status: criteria provided, single submitter. Criteria: ACMG Guidelines, 2015. Collection method: clinical testing. Allele origin: germline. Affected: yes.
Comment: The variant is observed at an extremely low frequency in the gnomAD v4.1.0 dataset (total allele frequency: 0.002%). Predicted Consequence/Location: Intron variant In silico tools predict the variant to alter splicing and produce an abnormal transcript [SpliceAI: 0.21 (>=0.2, moderate evidence for spliceogenicity)]. Therefore, this variant is classified as VUS according to the recommendation of ACMG/AMP guideline.

NM_017679.5(BCAS3):c.2594-11434del

Gene: BCAS3 (BCAS3 microtubule associated cell migration factor; plus strand). Cytogenetic location: 17q23.2.
Variant type: Deletion.
Coding change: c.2594-11434del on transcript NM_017679.5 (MANE Select); 11434 bases into the intron before coding-DNA position 2594, one base deleted (T; older notation c.2594-11434delT).
Molecular consequence: intron variant. On other transcripts: frameshift variant (3).
Genome position (GRCh38, 1-based): chr17:61,380,543, T deleted. VCF-style (leftmost placement, unchanged base first): chr17-61380542-CT-C. GRCh37 (hg19) VCF-style: chr17-59457903-CT-C.
Other names: c.2631del, p.Glu878fs (NM_001330414.2, NM_001320470.3); c.2729-11434del (NM_001353144.2); c.2684-11434del (NM_001353145.2); c.2639-8075del (NM_001353146.2); c.2639-11434del (NM_001099432.3); c.2676del, p.Glu893fs (NM_001330413.2); short protein forms E878fs, E893fs.
Identifiers: ClinVar variation 4854142 (VCV004854142.1).